The following is an entry in ClinVar:

ClinVar aggregate classification (germline): Likely benign. Review status: criteria provided, multiple submitters, no conflicts (2 of 4 stars). 2 submissions from 2 submitters: Likely benign (2). Last evaluated 2026-02-01.

Conditions:
Idiopathic generalized epilepsy. Also called: Generalised epilepsy; EIG. Identifiers: MedGen C0270850, MONDO:0005579, OMIM 600669.

Allele frequency attached by ClinVar (database versions not stated): gnomAD 0.00001.

Submissions (2):

CeGaT Center for Human Genetics Tuebingen
Classification: Likely benign. Last evaluated: 2026-02-01. Review status: criteria provided, single submitter. Criteria: CeGaT Center For Human Genetics Tuebingen Variant Classification Criteria Version 2. Collection method: clinical testing. Allele origin: germline. Affected: yes. Observed: 1 variant allele.
Comment: GABRD: BP4, BP7

Labcorp Genetics (formerly Invitae), Labcorp
Classification: Likely benign for Idiopathic generalized epilepsy. Last evaluated: 2023-01-01. Review status: criteria provided, single submitter. Criteria: Invitae Variant Classification Sherloc (09022015). Collection method: clinical testing. Allele origin: germline.

NM_000815.5(GABRD):c.567G>A (p.Ser189=)

Gene: GABRD (gamma-aminobutyric acid type A receptor subunit delta; plus strand). Cytogenetic location: 1p36.33.
Variant type: single nucleotide variant.
Coding change: c.567G>A on transcript NM_000815.5 (MANE Select); coding-DNA position 567, G replaced by A.
Protein change: p.Ser189=; no amino-acid change (serine 189 retained).
Molecular consequence: synonymous variant.
Genome position (GRCh38, 1-based): chr1:2,028,168, G>A. VCF-style: chr1-2028168-G-A. GRCh37 (hg19) VCF-style: chr1-1959607-G-A.
Identifiers: ClinVar variation 2911104 (VCV002911104.7), dbSNP rs1368484389, ClinGen allele CA415448841.
Genomic context (GRCh38, chr1:2,028,168, plus strand): 5'-CGGGGCAGGGCCGGGCTCTGCCGCCCACCTGTGTGCTTTTCCTCCAGACGGTTACTCATC[G>A]GAGGACATCGTCTACTACTGGTCGGAGAGCCAGGAGCACATCCACGGGCTGGACAAGCTG-3'
Protein context (NP_000806.2, residues 179-199): MLDLESYGYS[Ser189=]EDIVYYWSES